The following is an entry in ClinVar:

NC_000002.11:g.(?_86441115)_(86509366_86564601)dup

Gene: REEP1 (receptor accessory protein 1; minus strand). Cytogenetic location: 2p11.2.
Variant type: Duplication.
Identifiers: ClinVar variation 4887732 (VCV004887732.1).

ClinVar aggregate classification (germline): Uncertain significance (1 of 4 stars; one submission).

Submission:

Women's Health and Genetics/Laboratory Corporation of America, LabCorp
Classification: Uncertain significance. Last evaluated: 2026-06-23. Review status: criteria provided, single submitter. Criteria: LabCorp Variant Classification Summary - May 2015. Collection method: clinical testing. Allele origin: germline.
Comment: Variant summary: The variant involves the duplication of exons 2-7 in the REEP1 gene. A presumed nomenclature of c.(32+1_33-1)_(*3108_?)dup has been designated for the purposes of this classification. The exact breakpoint at the 3' end of this variant is unknown, therefore this duplication may extend downstream of the annotated region of the gene. As it duplicates the termination codon, its effect on the encoded protein is unknown. The variant allele was found at a frequency of 0.00014 in 21694 control chromosomes (gnomAD SV database). The available data on variant occurrences in the general population are insufficient to allow any conclusion about variant significance. c.(32+1_33-1)_(*3108_?)dup has been observed in a heterozygous state in one individual affected with hereditary spastic paraplegia type 31, whose father was similarly affected but was not genotyped (Beetz_2008). These data do not allow any conclusion about variant significance. To our knowledge, no experimental evidence demonstrating an impact on protein function has been reported. The following publication has been ascertained in the context of this evaluation (PMID: 18321925). ClinVar contains two entries for this variant (Variation ID: 417564, 253380). Based on the evidence outlined above, the variant was classified as uncertain significance.

Literature cited by the submitters: PubMed 18321925.